The following is an entry in ClinVar:

NM_201384.3(PLEC):c.9941C>T (p.Ala3314Val)

Gene: PLEC (plectin; minus strand). Cytogenetic location: 8q24.3.
Variant type: single nucleotide variant.
Coding change: c.9941C>T on transcript NM_201384.3 (MANE Select); coding-DNA position 9941, C replaced by T.
Protein change: p.Ala3314Val; replaces alanine 3314 with valine.
Molecular consequence: missense variant.
Genome position (GRCh38, 1-based): chr8:143,919,880, G>A on the plus strand (C>T on the coding strand, the complement: PLEC is on the minus strand). VCF-style: chr8-143919880-G-A. GRCh37 (hg19) VCF-style: chr8-144994048-G-A.
Other names: c.10022C>T (NM_000445.3); c.10022C>T, p.Ala3341Val (NM_000445.5); c.9899C>T, p.Ala3300Val (NM_201378.4); c.9875C>T, p.Ala3292Val (NM_201379.3); c.10352C>T, p.Ala3451Val (NM_201380.4); c.9845C>T, p.Ala3282Val (NM_201381.3); c.9941C>T, p.Ala3314Val (NM_201382.4); c.9953C>T, p.Ala3318Val (NM_201383.3); short protein forms A3292V, A3318V, A3341V, A3451V, A3300V, A3282V, A3314V.
Identifiers: ClinVar variation 538953 (VCV000538953.10), dbSNP rs370238652, ClinGen allele CA4924808.

ClinVar aggregate classification (germline): Uncertain significance. Review status: criteria provided, multiple submitters, no conflicts (2 of 4 stars). 2 submissions from 2 submitters: Uncertain significance (2). Last evaluated 2024-04-12.

Conditions:
Epidermolysis bullosa simplex with nail dystrophy (EBS5D). Identifiers: MedGen C4225309, MONDO:0014661, OMIM 616487.
Epidermolysis bullosa simplex 5B, with muscular dystrophy (EBS5B). Also called: EPIDERMOLYSIS BULLOSA SIMPLEX AND LIMB-GIRDLE MUSCULAR DYSTROPHY; Epidermolysis bullosa simplex with muscular dystrophy. Identifiers: Orphanet 257, MedGen C2931072, MONDO:0009181, OMIM 226670.
Epidermolysis bullosa simplex, Ogna type (EBS5A). Also called: Pidermolysis bullosa simplex 5A, Ogna type; EPIDERMOLYSIS BULLOSA SIMPLEX 5A, OGNA TYPE. Identifiers: Orphanet 79401, MedGen C0432317, MONDO:0007555, OMIM 131950.
Autosomal recessive limb-girdle muscular dystrophy type 2Q (LGMDR17). Also called: MUSCULAR DYSTROPHY, LIMB-GIRDLE, AUTOSOMAL RECESSIVE 17. Identifiers: Orphanet 254361, MedGen C3150989, MONDO:0013390, OMIM 613723.
Epidermolysis bullosa simplex 5C, with pyloric atresia (EBS5C). Also called: PLEC-Related Epidermolysis Bullosa with Pyloric Atresia; Epidermolysis bullosa simplex with pyloric atresia; PLEC1-Related Epidermolysis Bullosa with Pyloric Atresia. Identifiers: Orphanet 158684, MedGen C2677349, MONDO:0012807, OMIM 612138.

Allele frequency attached by ClinVar (database versions not stated): ExAC 0.00001; gnomAD exomes 0.00001 and 0.00002; gnomAD 0.00003; TOPMed 0.00007; ESP Exome Variant Server 0.00008; 1000 Genomes Project 30x 0.00016.
gnomAD v4.1: 15 of 1,613,156 alleles (0.00093%); highest among the groups gnomAD compares: African/African-American, 0.013%; no homozygotes.

Submissions (2):

Labcorp Genetics (formerly Invitae), Labcorp
Classification: Uncertain significance for Autosomal recessive limb-girdle muscular dystrophy type 2Q; Epidermolysis bullosa simplex, Ogna type; Epidermolysis bullosa simplex with nail dystrophy; Epidermolysis bullosa simplex 5C, with pyloric atresia; Epidermolysis bullosa simplex 5B, with muscular dystrophy. Last evaluated: 2024-04-12. Review status: criteria provided, single submitter. Criteria: Invitae Variant Classification Sherloc (09022015). Collection method: clinical testing. Allele origin: germline.
Comment: This sequence change replaces alanine, which is neutral and non-polar, with valine, which is neutral and non-polar, at codon 3341 of the PLEC protein (p.Ala3341Val). This variant is present in population databases (rs370238652, gnomAD 0.02%). This variant has not been reported in the literature in individuals affected with PLEC-related conditions. ClinVar contains an entry for this variant (Variation ID: 538953). An algorithm developed to predict the effect of missense changes on protein structure and function (PolyPhen-2) suggests that this variant is likely to be disruptive. In summary, the available evidence is currently insufficient to determine the role of this variant in disease. Therefore, it has been classified as a Variant of Uncertain Significance.

Revvity Omics, Revvity
Classification: Uncertain significance. Last evaluated: 2020-02-14. Review status: criteria provided, single submitter. Criteria: ACMG Guidelines, 2015. Collection method: clinical testing. Allele origin: germline.